The following is an entry in ClinVar:

NM_000384.3(APOB):c.11146G>A (p.Gly3716Ser)

Gene: APOB (apolipoprotein B; minus strand). Cytogenetic location: 2p24.1.
Variant type: single nucleotide variant.
Coding change: c.11146G>A on transcript NM_000384.3 (MANE Select); coding-DNA position 11146, G replaced by A.
Protein change: p.Gly3716Ser; replaces glycine 3716 with serine.
Molecular consequence: missense variant.
Genome position (GRCh38, 1-based): chr2:21,005,722, C>T on the plus strand (G>A on the coding strand, the complement: APOB is on the minus strand). VCF-style: chr2-21005722-C-T. GRCh37 (hg19) VCF-style: chr2-21228594-C-T.
Other names: short protein forms G3716S.
Identifiers: ClinVar variation 4527242 (VCV004527242.1).
Genomic context (GRCh38, chr2:21,005,722, plus strand): 5'-TCAGCCCAGGAATAATGAATTTATCAGCCAAAACTTTTACAGGGATGGAGAATGAATAGC[C>T]ATTGGGGTTTTTGGTGTACACAAAGGCAGTTGAAACACGAAGATGCTGTCTCCTACCAAT-3'
Protein context (NP_000375.3, residues 3706-3726): TAFVYTKNPN[Gly3716Ser]YSFSIPVKVL

ClinVar aggregate classification (germline): Uncertain significance (1 of 4 stars; one submission).

gnomAD v4.1: 2 of 1,613,724 alleles (0.00012%); no homozygotes.

Submission:

GeneDx
Classification: Uncertain significance. Last evaluated: 2025-04-21. Review status: criteria provided, single submitter. Criteria: GeneDx Variant Classification Process June 2021. Collection method: clinical testing. Allele origin: germline. Affected: yes.
Comment: Not observed at significant frequency in large population cohorts (gnomAD); In silico analysis supports that this missense variant has a deleterious effect on protein structure/function; Has not been previously published as pathogenic or benign to our knowledge